The following is an entry in ClinVar:

NM_016216.4(DBR1):c.1552G>A (p.Glu518Lys)

Gene: DBR1 (debranching RNA lariats 1; minus strand). Cytogenetic location: 3q22.3.
Variant type: single nucleotide variant.
Coding change: c.1552G>A on transcript NM_016216.4 (MANE Select); coding-DNA position 1552, G replaced by A.
Protein change: p.Glu518Lys; replaces glutamic acid 518 with lysine.
Molecular consequence: missense variant.
Genome position (GRCh38, 1-based): chr3:138,161,972, C>T on the plus strand (G>A on the coding strand, the complement: DBR1 is on the minus strand). VCF-style: chr3-138161972-C-T. GRCh37 (hg19) VCF-style: chr3-137880814-C-T.
Other names: short protein forms E518K.
Identifiers: ClinVar variation 2109666 (VCV002109666.4), dbSNP rs2472959660, ClinGen allele CA354668800.
Genomic context (GRCh38, chr3:138,161,972, plus strand): 5'-CATCCACTGCAGCGTAAATGGCTTGATTCCTCCTCTTAATTTTCTTTCTTTGTTCAGGTT[C>T]ATGTTCATCACTCAGCCTCTTCAATGGCACCTTGGTTAAGTCCTCTCCATTCCCTGACTC-3'
Protein context (NP_057300.2, residues 508-528): VPLKRLSDEH[Glu518Lys]PEQRKKIKRR

ClinVar aggregate classification (germline): Uncertain significance (1 of 4 stars; one submission).

Allele frequency attached by ClinVar (database versions not stated): gnomAD exomes below 0.00001.
gnomAD v4.1: 1 of 1,614,198 alleles (0.000062%); highest among the groups gnomAD compares: African/African-American, 0.0013%; no homozygotes.

Submission:

Labcorp Genetics (formerly Invitae), Labcorp
Classification: Uncertain significance. Last evaluated: 2024-10-25. Review status: criteria provided, single submitter. Criteria: Invitae Variant Classification Sherloc (09022015). Collection method: clinical testing. Allele origin: germline.
Comment: This sequence change replaces glutamic acid, which is acidic and polar, with lysine, which is basic and polar, at codon 518 of the DBR1 protein (p.Glu518Lys). This variant is not present in population databases (gnomAD no frequency). This variant has not been reported in the literature in individuals affected with DBR1-related conditions. ClinVar contains an entry for this variant (Variation ID: 2109666). An algorithm developed to predict the effect of missense changes on protein structure and function (PolyPhen-2) suggests that this variant is likely to be tolerated. In summary, the available evidence is currently insufficient to determine the role of this variant in disease. Therefore, it has been classified as a Variant of Uncertain Significance.